The following is an entry in ClinVar:

ClinVar aggregate classification (germline): Likely benign. Review status: criteria provided, multiple submitters, no conflicts (2 of 4 stars). 8 submissions from 8 submitters: Likely benign (8). Last evaluated 2026-01-11.

Conditions:
MYBPC3-related disorder. Also called: MYBPC3-related condition; MYBPC3-related disease; MYBPC3-related disorders.
Cardiovascular phenotype. Identifiers: MedGen CN230736.
Cardiomyopathy (CMYO). Also called: Cardiomyopathies. Identifiers: Orphanet 167848, MedGen C0878544, MONDO:0004994, HP:0001638. Inheritance: Various modes of inheritance.
Hypertrophic cardiomyopathy. Also called: HYPERTROPHIC MYOCARDIOPATHY. Identifiers: Orphanet 217569, MedGen C0007194, MeSH D002312, MONDO:0005045, HP:0001639.

Allele frequency attached by ClinVar (database versions not stated): gnomAD 0.00013 and 0.00014; 1000 Genomes Project 0.00020; 1000 Genomes Project 30x 0.00031; gnomAD exomes 0.00002 and 0.00004; ExAC 0.00003; TOPMed 0.00011.
gnomAD v4.1: 53 of 1,613,796 alleles (0.0033%); highest among the groups gnomAD compares: African/African-American, 0.048%; no homozygotes.

Submissions (8):

Labcorp Genetics (formerly Invitae), Labcorp
Classification: Likely benign for Hypertrophic cardiomyopathy. Last evaluated: 2026-01-11. Review status: criteria provided, single submitter. Criteria: Invitae Variant Classification Sherloc (09022015). Collection method: clinical testing. Allele origin: germline.

PreventionGenetics, part of Exact Sciences
Classification: Likely benign for MYBPC3-related condition. Last evaluated: 2025-06-24. Review status: criteria provided, single submitter. Criteria: ACMG Guidelines, 2015. Collection method: clinical testing. Allele origin: germline.
Comment: This variant is classified as likely benign based on ACMG/AMP sequence variant interpretation guidelines (Richards et al. 2015 PMID: 25741868, with internal and published modifications).

Blueprint Genetics
Classification: Likely benign. Last evaluated: 2024-09-25. Review status: criteria provided, single submitter. Criteria: ACMG Guidelines, 2015. Collection method: clinical testing. Allele origin: germline.

All of Us Research Program, National Institutes of Health
Classification: Likely benign for Hypertrophic cardiomyopathy. Last evaluated: 2023-12-13. Review status: criteria provided, single submitter. Criteria: ACMG Guidelines, 2015. Collection method: clinical testing. Allele origin: germline. Inheritance: Autosomal dominant inheritance. Observed: 6 variant alleles, 6 heterozygotes.
Comment: This study involves interpretation of variants in research participants for the purpose of population health screening. Participant phenotype was not available at the time of variant classification. Additional details can be found in publication PMID: 35346344, PMCID: PMC8962531

CHEO Genetics Diagnostic Laboratory, Children's Hospital of Eastern Ontario
Classification: Likely benign for Cardiomyopathy. Last evaluated: 2022-09-08. Review status: criteria provided, single submitter. Criteria: ACMG Guidelines, 2015. Collection method: clinical testing. Allele origin: germline.

GeneDx
Classification: Likely benign. Last evaluated: 2020-09-30. Review status: criteria provided, single submitter. Criteria: GeneDx Variant Classification Process June 2021. Collection method: clinical testing. Allele origin: germline. Affected: yes.

Ambry Genetics
Classification: Likely benign for Cardiovascular phenotype. Last evaluated: 2019-06-18. Review status: criteria provided, single submitter. Criteria: Ambry Variant Classification Scheme 2023. Collection method: clinical testing. Allele origin: germline.

Color Diagnostics, LLC DBA Color Health
Classification: Likely benign for Cardiomyopathy. Last evaluated: 2019-04-26. Review status: criteria provided, single submitter. Criteria: ACMG Guidelines, 2015. Collection method: clinical testing. Allele origin: germline.

NM_000256.3(MYBPC3):c.1020C>T (p.Tyr340=)

Gene: MYBPC3 (myosin binding protein C3; minus strand). Cytogenetic location: 11p11.2.
Variant type: single nucleotide variant.
Coding change: c.1020C>T on transcript NM_000256.3 (MANE Select); coding-DNA position 1020, C replaced by T.
Protein change: p.Tyr340=; no amino-acid change (tyrosine 340 retained).
Molecular consequence: synonymous variant.
Genome position (GRCh38, 1-based): chr11:47,346,277, G>A on the plus strand (C>T on the coding strand, the complement: MYBPC3 is on the minus strand). VCF-style: chr11-47346277-G-A. GRCh37 (hg19) VCF-style: chr11-47367828-G-A.
Other names: c.1020C>T, p.Tyr340= (LRG_386t1).
Identifiers: ClinVar variation 221024 (VCV000221024.23), dbSNP rs556616131, ClinGen allele CA042025.